The following is an entry in ClinVar:

NM_000388.4(CASR):c.992G>T (p.Arg331Leu)

Gene: CASR (calcium sensing receptor; plus strand). Cytogenetic location: 3q21.1.
Variant type: single nucleotide variant.
Coding change: c.992G>T on transcript NM_000388.4 (MANE Select); coding-DNA position 992, G replaced by T.
Protein change: p.Arg331Leu; replaces arginine 331 with leucine.
Molecular consequence: missense variant.
Genome position (GRCh38, 1-based): chr3:122,262,027, G>T. VCF-style: chr3-122262027-G-T. GRCh37 (hg19) VCF-style: chr3-121980874-G-T.
Other names: c.992G>T, p.Arg331Leu (NM_001178065.2); short protein forms R331L.
Identifiers: ClinVar variation 1906898 (VCV001906898.6), dbSNP rs747090029, ClinGen allele CA354151992.

ClinVar aggregate classification (germline): Uncertain significance. Review status: criteria provided, multiple submitters, no conflicts (2 of 4 stars). 2 submissions from 2 submitters: Uncertain significance (2). Last evaluated 2022-05-29.

Conditions:
Autosomal dominant hypocalcemia 1 (HYPOC1). Also called: HYPOCALCEMIA, FAMILIAL. Identifiers: MedGen C3715128, MONDO:0011013, OMIM 601198.
Familial hypocalciuric hypercalcemia (FHH). Also called: Familial benign hypercalcemia. Identifiers: Orphanet 405, MedGen C1809471, MONDO:0018458.

Submissions (2):

Labcorp Genetics (formerly Invitae), Labcorp
Classification: Uncertain significance for Familial hypocalciuric hypercalcemia; Autosomal dominant hypocalcemia 1. Last evaluated: 2022-05-29. Review status: criteria provided, single submitter. Criteria: Invitae Variant Classification Sherloc (09022015). Collection method: clinical testing. Allele origin: germline.
Comment: This variant is not present in population databases (gnomAD no frequency). This sequence change replaces arginine, which is basic and polar, with leucine, which is neutral and non-polar, at codon 331 of the CASR protein (p.Arg331Leu). This variant has not been reported in the literature in individuals affected with CASR-related conditions. Algorithms developed to predict the effect of missense changes on protein structure and function (SIFT, PolyPhen-2, Align-GVGD) all suggest that this variant is likely to be disruptive. In summary, the available evidence is currently insufficient to determine the role of this variant in disease. Therefore, it has been classified as a Variant of Uncertain Significance.

Blueprint Genetics
Classification: Uncertain significance. Last evaluated: 2021-10-13. Review status: criteria provided, single submitter. Criteria: ACMG Guidelines, 2015. Collection method: clinical testing. Allele origin: germline.